The following is an entry in ClinVar:

NM_004415.4(DSP):c.1359A>G (p.Pro453=)

Gene: DSP (desmoplakin; plus strand). Cytogenetic location: 6p24.3.
Variant type: single nucleotide variant.
Coding change: c.1359A>G on transcript NM_004415.4 (MANE Select); coding-DNA position 1359, A replaced by G.
Protein change: p.Pro453=; no amino-acid change (proline 453 retained).
Molecular consequence: synonymous variant.
Genome position (GRCh38, 1-based): chr6:7,568,529, A>G. VCF-style: chr6-7568529-A-G. GRCh37 (hg19) VCF-style: chr6-7568762-A-G.
Other names: c.1359A>G, p.Pro453= (NM_001008844.3, NM_001319034.2, NM_001406591.1).
Identifiers: ClinVar variation 3069339 (VCV003069339.3), dbSNP rs1250392825, ClinGen allele CA448521989.

ClinVar aggregate classification (germline): Benign/Likely benign. Review status: criteria provided, multiple submitters, no conflicts (2 of 4 stars). 2 submissions from 2 submitters: Benign (1); Likely benign (1). Last evaluated 2024-06-08.

Conditions:
Arrhythmogenic cardiomyopathy with wooly hair and keratoderma. Also called: Carvajal syndrome; PALMOPLANTAR KERATODERMA WITH LEFT VENTRICULAR CARDIOMYOPATHY AND WOOLLY HAIR; Dilated cardiomyopathy with woolly hair and keratoderma; Arrhythmogenic cardiomyopathy with woolly hair and keratoderma. Identifiers: Orphanet 65282, MedGen C1854063, MONDO:0011581, OMIM 605676.
Arrhythmogenic right ventricular dysplasia 8 (ARVD8). Also called: Arrhythmogenic Right Ventricular Dysplasia/Cardiomyopathy 8; ARRHYTHMOGENIC RIGHT VENTRICULAR DYSPLASIA, FAMILIAL, 8; ARRHYTHMOGENIC RIGHT VENTRICULAR CARDIOMYOPATHY 8. Identifiers: MedGen C1843896, MONDO:0011831, OMIM 607450.

Allele frequency attached by ClinVar (database versions not stated): gnomAD exomes below 0.00001; TOPMed below 0.00001.
gnomAD v4.1: 1 of 1,614,162 alleles (0.000062%); highest among the groups gnomAD compares: East Asian, 0.0022%; no homozygotes.

Submissions (2):

Labcorp Genetics (formerly Invitae), Labcorp
Classification: Benign for Arrhythmogenic cardiomyopathy with wooly hair and keratoderma; Arrhythmogenic right ventricular dysplasia 8. Last evaluated: 2024-06-08. Review status: criteria provided, single submitter. Criteria: Invitae Variant Classification Sherloc (09022015). Collection method: clinical testing. Allele origin: germline.

All of Us Research Program, National Institutes of Health
Classification: Likely benign for Arrhythmogenic cardiomyopathy with wooly hair and keratoderma. Last evaluated: 2022-11-30. Review status: criteria provided, single submitter. Criteria: ACMG Guidelines, 2015. Collection method: clinical testing. Allele origin: germline. Inheritance: Autosomal dominant inheritance. Observed: 1 variant allele, 1 heterozygote.
Comment: This study involves interpretation of variants in research participants for the purpose of population health screening. Participant phenotype was not available at the time of variant classification. Additional details can be found in publication PMID: 35346344, PMCID: PMC8962531